The following is an entry in ClinVar:

ClinVar aggregate classification (germline): Uncertain significance (1 of 4 stars; one submission).

Conditions:
Osteogenesis imperfecta type 8 (OI8). Identifiers: MedGen C1970458, MONDO:0012581, OMIM 610915.

Allele frequency attached by ClinVar (database versions not stated): gnomAD exomes below 0.00001; ExAC 0.00001; gnomAD 0.00001; TOPMed 0.00002.
gnomAD v4.1: 3 of 1,614,058 alleles (0.00019%); highest among the groups gnomAD compares: Admixed American, 0.005%; no homozygotes.

Submission:

Labcorp Genetics (formerly Invitae), Labcorp
Classification: Uncertain significance for Osteogenesis imperfecta type 8. Last evaluated: 2025-11-24. Review status: criteria provided, single submitter. Criteria: Invitae Variant Classification Sherloc (09022015). Collection method: clinical testing. Allele origin: germline.
Comment: This sequence change replaces threonine, which is neutral and polar, with isoleucine, which is neutral and non-polar, at codon 630 of the P3H1 protein (p.Thr630Ile). This variant is present in population databases (rs751516211, gnomAD 0.003%). This variant has not been reported in the literature in individuals affected with P3H1-related conditions. ClinVar contains an entry for this variant (Variation ID: 946990). Invitae Evidence Modeling of protein sequence and biophysical properties (such as structural, functional, and spatial information, amino acid conservation, physicochemical variation, residue mobility, and thermodynamic stability) indicates that this missense variant is expected to disrupt P3H1 protein function with a positive predictive value of 80%. In summary, the available evidence is currently insufficient to determine the role of this variant in disease. Therefore, it has been classified as a Variant of Uncertain Significance.

NM_022356.4(P3H1):c.1889C>T (p.Thr630Ile)

Gene: P3H1 (prolyl 3-hydroxylase 1; minus strand). Cytogenetic location: 1p34.2.
Variant type: single nucleotide variant.
Coding change: c.1889C>T on transcript NM_022356.4 (MANE Select); coding-DNA position 1889, C replaced by T.
Protein change: p.Thr630Ile; replaces threonine 630 with isoleucine.
Molecular consequence: missense variant.
Genome position (GRCh38, 1-based): chr1:42,747,748, G>A on the plus strand (C>T on the coding strand, the complement: P3H1 is on the minus strand). VCF-style: chr1-42747748-G-A. GRCh37 (hg19) VCF-style: chr1-43213419-G-A.
Other names: c.1889C>T, p.Thr630Ile (NM_001146289.2, NM_001243246.2); short protein forms T630I.
Identifiers: ClinVar variation 946990 (VCV000946990.7), dbSNP rs751516211, ClinGen allele CA801661.